The following is an entry in ClinVar:

NM_001039141.3(TRIOBP):c.1421G>A (p.Arg474Gln)

Gene: TRIOBP (TRIO and F-actin binding protein; plus strand). Cytogenetic location: 22q13.1.
Variant type: single nucleotide variant.
Coding change: c.1421G>A on transcript NM_001039141.3 (MANE Select); coding-DNA position 1421, G replaced by A.
Protein change: p.Arg474Gln; replaces arginine 474 with glutamine.
Molecular consequence: missense variant.
Genome position (GRCh38, 1-based): chr22:37,723,977, G>A. VCF-style: chr22-37723977-G-A. GRCh37 (hg19) VCF-style: chr22-38119984-G-A.
Other names: short protein forms R474Q.
Identifiers: ClinVar variation 1931683 (VCV001931683.5), dbSNP rs2518172956, ClinGen allele CA411460459.

ClinVar aggregate classification (germline): Uncertain significance (1 of 4 stars; one submission).

Allele frequency attached by ClinVar (database versions not stated): gnomAD exomes below 0.00001.
gnomAD v4.1: 1 of 1,569,170 alleles (0.000064%); highest among the groups gnomAD compares: Non-Finnish European, 0.000086%; no homozygotes.

Submission:

Labcorp Genetics (formerly Invitae), Labcorp
Classification: Uncertain significance. Last evaluated: 2022-02-03. Review status: criteria provided, single submitter. Criteria: Invitae Variant Classification Sherloc (09022015). Collection method: clinical testing. Allele origin: germline.
Comment: In summary, the available evidence is currently insufficient to determine the role of this variant in disease. Therefore, it has been classified as a Variant of Uncertain Significance. Algorithms developed to predict the effect of missense changes on protein structure and function output the following: SIFT: "Deleterious"; PolyPhen-2: "Benign"; Align-GVGD: "Class C0". The glutamine amino acid residue is found in multiple mammalian species, which suggests that this missense change does not adversely affect protein function. This variant has not been reported in the literature in individuals affected with TRIOBP-related conditions. This variant is not present in population databases (gnomAD no frequency). This sequence change replaces arginine, which is basic and polar, with glutamine, which is neutral and polar, at codon 474 of the TRIOBP protein (p.Arg474Gln).